The following is an entry in ClinVar:

NM_001003787.4(STRADA):c.1091C>T (p.Pro364Leu)

Gene: STRADA (STE20 related adaptor alpha; minus strand). Cytogenetic location: 17q23.3.
Variant type: single nucleotide variant.
Coding change: c.1091C>T on transcript NM_001003787.4 (MANE Select); coding-DNA position 1091, C replaced by T.
Protein change: p.Pro364Leu; replaces proline 364 with leucine.
Molecular consequence: missense variant. On other transcripts: non-coding transcript variant (1), intron variant (6).
Genome position (GRCh38, 1-based): chr17:63,704,350, G>A on the plus strand (C>T on the coding strand, the complement: STRADA is on the minus strand). VCF-style: chr17-63704350-G-A. GRCh37 (hg19) VCF-style: chr17-61781710-G-A.
Other names: c.980C>T, p.Pro327Leu (NM_001003786.3, NM_153335.6); c.917C>T, p.Pro306Leu (NM_001003788.3); c.1067C>T, p.Pro356Leu (NM_001363786.1); c.1004C>T, p.Pro335Leu (NM_001363787.1); c.*529C>T (NM_001411083.1, NM_001411084.1); c.*540C>T (NM_001411085.1); c.898+82C>T (NM_001363789.1); c.835+82C>T (NM_001363790.1, NM_001363791.1); and 3 more; short protein forms P356L, P306L, P327L, P335L, P364L.
Identifiers: ClinVar variation 2046100 (VCV002046100.1), dbSNP rs775610521, ClinGen allele CA8703144.

ClinVar aggregate classification (germline): Uncertain significance (1 of 4 stars; one submission).

Conditions:
Polyhydramnios, megalencephaly, and symptomatic epilepsy (PMSE). Also called: PMSE SYNDROME. Identifiers: Orphanet 500533, MedGen C1970203, MONDO:0012611, OMIM 611087.

Allele frequency attached by ClinVar (database versions not stated): ExAC 0.00001; gnomAD 0.00001; TOPMed 0.00002.
gnomAD v4.1: 28 of 1,612,336 alleles (0.0017%); highest among the groups gnomAD compares: Non-Finnish European, 0.0021%; no homozygotes.

Submission:

Labcorp Genetics (formerly Invitae), Labcorp
Classification: Uncertain significance for Polyhydramnios, megalencephaly, and symptomatic epilepsy. Last evaluated: 2022-02-22. Review status: criteria provided, single submitter. Criteria: Invitae Variant Classification Sherloc (09022015). Collection method: clinical testing. Allele origin: germline.
Comment: This sequence change replaces proline, which is neutral and non-polar, with leucine, which is neutral and non-polar, at codon 364 of the STRADA protein (p.Pro364Leu). The frequency data for this variant in the population databases is considered unreliable, as metrics indicate poor data quality at this position in the gnomAD database. This variant has not been reported in the literature in individuals affected with STRADA-related conditions. Algorithms developed to predict the effect of missense changes on protein structure and function are either unavailable or do not agree on the potential impact of this missense change (SIFT: "Deleterious"; PolyPhen-2: "Possibly Damaging"; Align-GVGD: "Class C0"). In summary, the available evidence is currently insufficient to determine the role of this variant in disease. Therefore, it has been classified as a Variant of Uncertain Significance.